The following is an entry in ClinVar:

NM_001135649.3(FOXI3):c.79C>G (p.Pro27Ala)

Gene: FOXI3 (forkhead box I3; minus strand). Cytogenetic location: 2p11.2.
Variant type: single nucleotide variant.
Coding change: c.79C>G on transcript NM_001135649.3 (MANE Select); coding-DNA position 79, C replaced by G.
Protein change: p.Pro27Ala; replaces proline 27 with alanine.
Molecular consequence: missense variant.
Genome position (GRCh38, 1-based): chr2:88,452,457, G>C on the plus strand (C>G on the coding strand, the complement: FOXI3 is on the minus strand). VCF-style: chr2-88452457-G-C. GRCh37 (hg19) VCF-style: chr2-88751975-G-C.
Other names: short protein forms P27A.
Identifiers: ClinVar variation 1714198 (VCV001714198.5), dbSNP rs2528917956, ClinGen allele CA347767098.

ClinVar aggregate classification (germline): Uncertain significance (1 of 4 stars; one submission).

Allele frequency attached by ClinVar (database versions not stated): gnomAD exomes 0.00001.
gnomAD v4.1: 8 of 1,060,414 alleles (0.00075%); highest among the groups gnomAD compares: Non-Finnish European, 0.0008%; no homozygotes.

Submission:

Labcorp Genetics (formerly Invitae), Labcorp
Classification: Uncertain significance. Last evaluated: 2023-10-03. Review status: criteria provided, single submitter. Criteria: Invitae Variant Classification Sherloc (09022015). Collection method: clinical testing. Allele origin: germline.
Comment: This sequence change replaces proline, which is neutral and non-polar, with alanine, which is neutral and non-polar, at codon 27 of the FOXI3 protein (p.Pro27Ala). The frequency data for this variant in the population databases is considered unreliable, as metrics indicate insufficient coverage at this position in the gnomAD database. This variant has not been reported in the literature in individuals affected with FOXI3-related conditions. ClinVar contains an entry for this variant (Variation ID: 1714198). Experimental studies and prediction algorithms are not available or were not evaluated, and the functional significance of this variant is currently unknown. In summary, the available evidence is currently insufficient to determine the role of this variant in disease. Therefore, it has been classified as a Variant of Uncertain Significance.